The following is an entry in ClinVar:

ClinVar aggregate classification (germline): Benign/Likely benign. Review status: criteria provided, multiple submitters, no conflicts (2 of 4 stars). 3 submissions from 3 submitters: Benign (1); Likely benign (2). Last evaluated 2024-07-15.

Conditions:
Hereditary cancer-predisposing syndrome. Also called: Tumor predisposition; Neoplastic Syndromes, Hereditary; Hereditary Cancer Syndrome; Hereditary neoplastic syndrome. Identifiers: Orphanet 140162, MedGen C0027672, MeSH D009386, MONDO:0015356.
BAP1-related tumor predisposition syndrome (TPDS1). Also called: Tumor susceptibility linked to germline BAP1 mutations; BAP1 tumor predisposition syndrome; COMMON Syndrome; TUMOR PREDISPOSITION SYNDROME 1. Identifiers: Orphanet 289539, MedGen C3280492, MONDO:0013692, OMIM 614327.

Submissions (3):

Myriad Genetics, Inc.
Classification: Benign for BAP1-related tumor predisposition syndrome. Last evaluated: 2024-07-15. Review status: criteria provided, single submitter. Criteria: Myriad Autosomal Dominant, Autosomal Recessive and X-Linked Classification Criteria (2023). Collection method: clinical testing. Allele origin: unknown.
Comment: This variant is considered benign. This variant is a silent/synonymous amino acid change and it is not expected to impact splicing.

Labcorp Genetics (formerly Invitae), Labcorp
Classification: Likely benign for BAP1-related tumor predisposition syndrome. Last evaluated: 2022-04-16. Review status: criteria provided, single submitter. Criteria: Invitae Variant Classification Sherloc (09022015). Collection method: clinical testing. Allele origin: germline.

Ambry Genetics
Classification: Likely benign for Hereditary cancer-predisposing syndrome. Last evaluated: 2022-02-21. Review status: criteria provided, single submitter. Criteria: Ambry Variant Classification Scheme 2023. Collection method: clinical testing. Allele origin: germline.

NM_004656.4(BAP1):c.849G>A (p.Glu283=)

Gene: BAP1 (BRCA1 associated deubiquitinase 1; minus strand). Cytogenetic location: 3p21.1.
Variant type: single nucleotide variant.
Coding change: c.849G>A on transcript NM_004656.4 (MANE Select); coding-DNA position 849, G replaced by A.
Protein change: p.Glu283=; no amino-acid change (glutamic acid 283 retained).
Molecular consequence: synonymous variant.
Genome position (GRCh38, 1-based): chr3:52,405,847, C>T on the plus strand (G>A on the coding strand, the complement: BAP1 is on the minus strand). VCF-style: chr3-52405847-C-T. GRCh37 (hg19) VCF-style: chr3-52439863-C-T.
Identifiers: ClinVar variation 758360 (VCV000758360.10), dbSNP rs1578224422, ClinGen allele CA433775686.